The following is an entry in ClinVar:

ClinVar aggregate classification (germline): Uncertain significance (1 of 4 stars; one submission).

Submission:

Ambry Genetics
Classification: Uncertain significance. Last evaluated: 2024-11-10. Review status: criteria provided, single submitter. Criteria: Ambry Variant Classification Scheme 2023. Collection method: clinical testing. Allele origin: germline.
Comment: The p.I300L variant (also known as c.898A>T), located in coding exon 4 of the MYOM1 gene, results from an A to T substitution at nucleotide position 898. The isoleucine at codon 300 is replaced by leucine, an amino acid with highly similar properties. This amino acid position is conserved. In addition, this alteration is predicted to be tolerated by in silico analysis. Based on the available evidence, the clinical significance of this variant remains unclear.

NM_003803.4(MYOM1):c.898A>T (p.Ile300Leu)

Gene: MYOM1 (myomesin 1; minus strand). Cytogenetic location: 18p11.31.
Variant type: single nucleotide variant.
Coding change: c.898A>T on transcript NM_003803.4 (MANE Select); coding-DNA position 898, A replaced by T.
Protein change: p.Ile300Leu; replaces isoleucine 300 with leucine.
Molecular consequence: missense variant.
Genome position (GRCh38, 1-based): chr18:3,187,511, T>A on the plus strand (A>T on the coding strand, the complement: MYOM1 is on the minus strand). VCF-style: chr18-3187511-T-A. GRCh37 (hg19) VCF-style: chr18-3187509-T-A.
Other names: c.898A>T, p.Ile300Leu (NM_019856.2); short protein forms I300L.
Identifiers: ClinVar variation 3401864 (VCV003401864.1).
Genomic context (GRCh38, chr18:3,187,511, plus strand): 5'-TTCTGTTAGCTTTCATAAAGATAACATACCACGTGACACGAGGTTCTGGCCAGCCTGCTA[T>A]GGAGCAATGCAATTTTACATTCTCCTTCTCCCAAACCGTGTGGGAGCGAGGTTTAATGAT-3'
Protein context (NP_003794.3, residues 290-310): EKENVKLHCS[Ile300Leu]AGWPEPRVTW